The following is an entry in ClinVar:

ClinVar aggregate classification (germline): Uncertain significance. Review status: criteria provided, multiple submitters, no conflicts (2 of 4 stars). 3 submissions from 3 submitters: Uncertain significance (3). Last evaluated 2026-09-22.

Conditions:
SLCO1B3-related disorder. Also called: SLCO1B3-related condition.
Rotor syndrome (HBLRR). Also called: HYPERBILIRUBINEMIA, ROTOR TYPE; HYPERBILIRUBINEMIA, ROTOR TYPE, DIGENIC. Identifiers: Orphanet 3111, MedGen C0220991, MONDO:0009379, OMIM 237450.

Allele frequency attached by ClinVar (database versions not stated): ExAC 0.00032; gnomAD 0.00034 and 0.00036; ESP Exome Variant Server 0.00046; 1000 Genomes Project 30x 0.00047; 1000 Genomes Project 0.00060; TOPMed 0.00070.
gnomAD v4.1: 404 of 1,597,258 alleles (0.025%); highest among the groups gnomAD compares: Middle Eastern, 0.71%; 1 homozygote.

Submissions (3):

PreventionGenetics, part of Exact Sciences
Classification: Uncertain significance for SLCO1B3-related condition. Last evaluated: 2026-09-22. Review status: criteria provided, single submitter. Criteria: ACMG Guidelines, 2015. Collection method: clinical testing. Allele origin: germline.
Comment: The SLCO1B3 c.1712C>G variant is predicted to result in the amino acid substitution p.Ala571Gly. To our knowledge, this variant has not been reported in the literature in association with disease. This variant is reported in 0.074% of alleles in individuals of Latino descent in gnomAD, which may be too frequent to be a primary cause of disease. Although we suspect that this variant may be benign, at this time, the clinical significance of this variant is uncertain due to the absence of conclusive functional and genetic evidence.

ARUP Laboratories, Molecular Genetics and Genomics, ARUP Laboratories
Classification: Uncertain significance for Rotor syndrome. Last evaluated: 2022-12-20. Review status: criteria provided, single submitter. Criteria: ARUP Molecular Germline Variant Investigation Process 2024. Collection method: clinical testing. Allele origin: germline.

Breakthrough Genomics
Classification: Uncertain significance. Review status: criteria provided, single submitter. Criteria: ACMG Guidelines, 2015. Collection method: not provided. Allele origin: germline. Inheritance: Autosomal recessive inheritance. Affected: yes.

NM_019844.4(SLCO1B3):c.1712C>G (p.Ala571Gly)

Genes: SLCO1B3 (solute carrier organic anion transporter family member 1B3; plus strand), SLCO1B3-SLCO1B7 (SLCO1B3-SLCO1B7 readthrough; plus strand). Cytogenetic location: 12p12.2.
Variant type: single nucleotide variant.
Coding change: c.1712C>G on transcript NM_019844.4 (MANE Select); coding-DNA position 1712, C replaced by G.
Protein change: p.Ala571Gly; replaces alanine 571 with glycine.
Molecular consequence: missense variant.
Genome position (GRCh38, 1-based): chr12:20,898,465, C>G. VCF-style: chr12-20898465-C-G. GRCh37 (hg19) VCF-style: chr12-21051399-C-G.
Other names: c.1712C>G, p.Ala571Gly (NM_001371097.1); c.1628C>G, p.Ala543Gly (NM_001349920.2); short protein forms A543G, A571G.
Identifiers: ClinVar variation 811700 (VCV000811700.14), dbSNP rs76963574, ClinGen allele CA6475674.